The following is an entry in ClinVar:

NM_182914.3(SYNE2):c.19493A>T (p.Asn6498Ile)

Gene: SYNE2 (spectrin repeat containing nuclear envelope protein 2; plus strand). Cytogenetic location: 14q23.2.
Variant type: single nucleotide variant.
Coding change: c.19493A>T on transcript NM_182914.3 (MANE Select); coding-DNA position 19493, A replaced by T.
Protein change: p.Asn6498Ile; replaces asparagine 6498 with isoleucine.
Molecular consequence: missense variant.
Genome position (GRCh38, 1-based): chr14:64,216,338, A>T. VCF-style: chr14-64216338-A-T. GRCh37 (hg19) VCF-style: chr14-64683056-A-T.
Other names: c.19424A>T, p.Asn6475Ile (NM_015180.6); c.17A>T, p.Asn6Ile (NM_182910.2); c.395A>T, p.Asn132Ile (NM_182913.4); short protein forms N132I, N6475I, N6498I, N6I.
Identifiers: ClinVar variation 2423864 (VCV002423864.6), dbSNP rs552120248, ClinGen allele CA7224460.
Genomic context (GRCh38, chr14:64,216,338, plus strand): 5'-ATGTTCCCGACAGCCCTTCCTGTCCCGAGCATCACTACAAGCAAATGGAAGGTGACAGGA[A>T]TGTTCCACCTGTTCCCCCTGCGTCCAGCACCCCTTATAAACCACCCTATGTAAGTCTTAA-3'
Protein context (NP_878918.2, residues 6488-6508): HHYKQMEGDR[Asn6498Ile]VPPVPPASST

ClinVar aggregate classification (germline): Uncertain significance (1 of 4 stars; one submission).

Conditions:
Emery-Dreifuss muscular dystrophy 5, autosomal dominant (EDMD5). Also called: EMERY-DREIFUSS MUSCULAR DYSTROPHY 5. Identifiers: Orphanet 261, MedGen C2751805, MONDO:0013072, OMIM 612999.

Allele frequency attached by ClinVar (database versions not stated): gnomAD exomes below 0.00001; ExAC 0.00001; gnomAD 0.00001; 1000 Genomes Project 0.00040; 1000 Genomes Project 30x 0.00047.
gnomAD v4.1: 4 of 1,614,228 alleles (0.00025%); highest among the groups gnomAD compares: Admixed American, 0.0067%; no homozygotes.

Submission:

Labcorp Genetics (formerly Invitae), Labcorp
Classification: Uncertain significance for Emery-Dreifuss muscular dystrophy 5, autosomal dominant. Last evaluated: 2023-07-10. Review status: criteria provided, single submitter. Criteria: Invitae Variant Classification Sherloc (09022015). Collection method: clinical testing. Allele origin: germline.
Comment: In summary, the available evidence is currently insufficient to determine the role of this variant in disease. Therefore, it has been classified as a Variant of Uncertain Significance. An algorithm developed to predict the effect of missense changes on protein structure and function (PolyPhen-2) suggests that this variant is likely to be disruptive. ClinVar contains an entry for this variant (Variation ID: 2423864). This variant has not been reported in the literature in individuals affected with SYNE2-related conditions. This variant is present in population databases (rs552120248, gnomAD 0.003%). This sequence change replaces asparagine, which is neutral and polar, with isoleucine, which is neutral and non-polar, at codon 6498 of the SYNE2 protein (p.Asn6498Ile).